The following is an entry in ClinVar:

NM_001142800.2(EYS):c.1516A>G (p.Asn506Asp)

Gene: EYS (eyes shut homolog; minus strand). Cytogenetic location: 6q12.
Variant type: single nucleotide variant.
Coding change: c.1516A>G on transcript NM_001142800.2 (MANE Select); coding-DNA position 1516, A replaced by G.
Protein change: p.Asn506Asp; replaces asparagine 506 with aspartic acid.
Molecular consequence: missense variant.
Genome position (GRCh38, 1-based): chr6:65,344,121, T>C on the plus strand (A>G on the coding strand, the complement: EYS is on the minus strand). VCF-style: chr6-65344121-T-C. GRCh37 (hg19) VCF-style: chr6-66054014-T-C.
Other names: c.1516A>G, p.Asn506Asp (NM_001142801.2, NM_001292009.2, NM_198283.2); short protein forms N506D.
Identifiers: ClinVar variation 1520009 (VCV001520009.5), dbSNP rs1770304523, ClinGen allele CA364661470.

ClinVar aggregate classification (germline): Uncertain significance (1 of 4 stars; one submission).

Allele frequency attached by ClinVar (database versions not stated): gnomAD 0.00001.

Submission:

Labcorp Genetics (formerly Invitae), Labcorp
Classification: Uncertain significance. Last evaluated: 2021-09-07. Review status: criteria provided, single submitter. Criteria: Invitae Variant Classification Sherloc (09022015). Collection method: clinical testing. Allele origin: germline.
Comment: This sequence change replaces asparagine with aspartic acid at codon 506 of the EYS protein (p.Asn506Asp). The asparagine residue is moderately conserved and there is a small physicochemical difference between asparagine and aspartic acid. This variant is not present in population databases (ExAC no frequency). This variant has not been reported in the literature in individuals affected with EYS-related conditions. Algorithms developed to predict the effect of missense changes on protein structure and function output the following: SIFT: "Tolerated"; PolyPhen-2: "Benign"; Align-GVGD: "Class C0". The aspartic acid amino acid residue is found in multiple mammalian species, which suggests that this missense change does not adversely affect protein function. Algorithms developed to predict the effect of sequence changes on RNA splicing suggest that this variant may create or strengthen a splice site. In summary, the available evidence is currently insufficient to determine the role of this variant in disease. Therefore, it has been classified as a Variant of Uncertain Significance.